The following is an entry in ClinVar:

NM_032043.3(BRIP1):c.226G>T (p.Val76Leu)

Gene: BRIP1 (BRCA1 interacting DNA helicase 1; minus strand). Cytogenetic location: 17q23.2.
Variant type: single nucleotide variant.
Coding change: c.226G>T on transcript NM_032043.3 (MANE Select); coding-DNA position 226, G replaced by T.
Protein change: p.Val76Leu; replaces valine 76 with leucine.
Molecular consequence: missense variant.
Genome position (GRCh38, 1-based): chr17:61,857,211, C>A on the plus strand (G>T on the coding strand, the complement: BRIP1 is on the minus strand). VCF-style: chr17-61857211-C-A. GRCh37 (hg19) VCF-style: chr17-59934572-C-A.
Other names: short protein forms V76L.
Identifiers: ClinVar variation 1357836 (VCV001357836.9), dbSNP rs769573395, ClinGen allele CA400485588.
Genomic context (GRCh38, chr17:61,857,211, plus strand): 5'-TAAAATCCTTTGAATGGCATGCACAACAACATGACAATTGTACTTCAGCTTTTTCACTTA[C>A]GCCCTCATCTGCTGGTTTCCCTAAAAATGAAAGAACATCTATTTATAATATATCTAATTA-3'
Protein context (NP_114432.2, residues 66-86): SLSGKPADEG[Val76Leu]SEKAEVQLSC

ClinVar aggregate classification (germline): Uncertain significance (1 of 4 stars; one submission).

Conditions:
Familial cancer of breast. Also called: BREAST CANCER, FAMILIAL; hereditary breast carcinoma; Hereditary breast cancer. Identifiers: Orphanet 227535, MedGen C0346153, MONDO:0016419, OMIM 114480. Disease mechanism: loss of function.
Fanconi anemia complementation group J. Also called: BRIP1-Related Fanconi Anemia. Identifiers: Orphanet 84, MedGen C1836860, MONDO:0012187, OMIM 609054.

Submission:

Labcorp Genetics (formerly Invitae), Labcorp
Classification: Uncertain significance for Familial cancer of breast; Fanconi anemia complementation group J. Last evaluated: 2021-05-31. Review status: criteria provided, single submitter. Criteria: Invitae Variant Classification Sherloc (09022015). Collection method: clinical testing. Allele origin: germline.
Comment: In summary, the available evidence is currently insufficient to determine the role of this variant in disease. Therefore, it has been classified as a Variant of Uncertain Significance. Algorithms developed to predict the effect of missense changes on protein structure and function output the following: SIFT: "Tolerated"; PolyPhen-2: "Benign"; Align-GVGD: "Class C0". The leucine amino acid residue is found in multiple mammalian species, suggesting that this missense change does not adversely affect protein function. These predictions have not been confirmed by published functional studies and their clinical significance is uncertain. This variant has not been reported in the literature in individuals with BRIP1-related conditions. This variant is not present in population databases (ExAC no frequency). This sequence change replaces valine with leucine at codon 76 of the BRIP1 protein (p.Val76Leu). The valine residue is weakly conserved and there is a small physicochemical difference between valine and leucine.